The following is an entry in ClinVar:

ClinVar aggregate classification (germline): Uncertain significance. Review status: criteria provided, multiple submitters, no conflicts (2 of 4 stars). 2 submissions from 2 submitters: Uncertain significance (2). Last evaluated 2025-09-14.

Allele frequency attached by ClinVar (database versions not stated): gnomAD exomes below 0.00001; TOPMed below 0.00001.
gnomAD v4.1: 1 of 1,612,896 alleles (0.000062%); highest among the groups gnomAD compares: East Asian, 0.0022%; no homozygotes.

Submissions (2):

Labcorp Genetics (formerly Invitae), Labcorp
Classification: Uncertain significance. Last evaluated: 2025-09-14. Review status: criteria provided, single submitter. Criteria: Invitae Variant Classification Sherloc (09022015). Collection method: clinical testing. Allele origin: germline.
Comment: This sequence change replaces serine, which is neutral and polar, with asparagine, which is neutral and polar, at codon 1007 of the PLEKHM2 protein (p.Ser1007Asn). This variant is not present in population databases (gnomAD no frequency). This variant has not been reported in the literature in individuals affected with PLEKHM2-related conditions. ClinVar contains an entry for this variant (Variation ID: 478097). An algorithm developed to predict the effect of missense changes on protein structure and function (PolyPhen-2) suggests that this variant is likely to be disruptive. In summary, the available evidence is currently insufficient to determine the role of this variant in disease. Therefore, it has been classified as a Variant of Uncertain Significance.

Ambry Genetics
Classification: Uncertain significance. Last evaluated: 2025-04-20. Review status: criteria provided, single submitter. Criteria: Ambry Variant Classification Scheme 2023. Collection method: clinical testing. Allele origin: germline.

NM_015164.4(PLEKHM2):c.3020G>A (p.Ser1007Asn)

Gene: PLEKHM2 (pleckstrin homology and RUN domain containing M2; plus strand). Cytogenetic location: 1p36.21.
Variant type: single nucleotide variant.
Coding change: c.3020G>A on transcript NM_015164.4 (MANE Select); coding-DNA position 3020, G replaced by A.
Protein change: p.Ser1007Asn; replaces serine 1007 with asparagine.
Molecular consequence: missense variant.
Genome position (GRCh38, 1-based): chr1:15,733,894, G>A. VCF-style: chr1-15733894-G-A. GRCh37 (hg19) VCF-style: chr1-16060389-G-A.
Other names: short protein forms S1007N.
Identifiers: ClinVar variation 478097 (VCV000478097.9), dbSNP rs933542967, ClinGen allele CA18269576.